The following is an entry in ClinVar:

ClinVar aggregate classification (germline): Uncertain significance (1 of 4 stars; one submission).

Submission:

Labcorp Genetics (formerly Invitae), Labcorp
Classification: Uncertain significance. Last evaluated: 2022-08-09. Review status: criteria provided, single submitter. Criteria: Invitae Variant Classification Sherloc (09022015). Collection method: clinical testing. Allele origin: germline.
Comment: This variant has not been reported in the literature in individuals affected with MYO5B-related conditions. In summary, the available evidence is currently insufficient to determine the role of this variant in disease. Therefore, it has been classified as a Variant of Uncertain Significance. Algorithms developed to predict the effect of missense changes on protein structure and function are either unavailable or do not agree on the potential impact of this missense change (SIFT: "Deleterious"; PolyPhen-2: "Probably Damaging"; Align-GVGD: "Class C0"). This variant is not present in population databases (gnomAD no frequency). This sequence change replaces phenylalanine, which is neutral and non-polar, with serine, which is neutral and polar, at codon 305 of the MYO5B protein (p.Phe305Ser).

NM_001080467.3(MYO5B):c.914T>C (p.Phe305Ser)

Gene: MYO5B (myosin VB; minus strand). Cytogenetic location: 18q21.1.
Variant type: single nucleotide variant.
Coding change: c.914T>C on transcript NM_001080467.3 (MANE Select); coding-DNA position 914, T replaced by C.
Protein change: p.Phe305Ser; replaces phenylalanine 305 with serine.
Molecular consequence: missense variant.
Genome position (GRCh38, 1-based): chr18:49,984,750, A>G on the plus strand (T>C on the coding strand, the complement: MYO5B is on the minus strand). VCF-style: chr18-49984750-A-G. GRCh37 (hg19) VCF-style: chr18-47511120-A-G.
Other names: short protein forms F305S.
Identifiers: ClinVar variation 1714491 (VCV001714491.5), dbSNP rs2511236727, ClinGen allele CA402436500.